The following is an entry in ClinVar:

NM_006940.6(SOX5):c.1430T>C (p.Leu477Pro)

Gene: SOX5 (SRY-box transcription factor 5; minus strand). Cytogenetic location: 12p12.1.
Variant type: single nucleotide variant.
Coding change: c.1430T>C on transcript NM_006940.6 (MANE Select); coding-DNA position 1430, T replaced by C.
Protein change: p.Leu477Pro; replaces leucine 477 with proline.
Molecular consequence: missense variant. On other transcripts: intron variant (1).
Genome position (GRCh38, 1-based): chr12:23,563,316, A>G on the plus strand (T>C on the coding strand, the complement: SOX5 is on the minus strand). VCF-style: chr12-23563316-A-G. GRCh37 (hg19) VCF-style: chr12-23716250-A-G.
Other names: c.1400T>C, p.Leu467Pro (NM_001261415.3); c.1325T>C, p.Leu442Pro (NM_001330785.2); c.1391T>C, p.Leu464Pro (NM_152989.5); c.272T>C, p.Leu91Pro (NM_178010.4); c.1126-16892T>C (NM_001261414.3); short protein forms L442P, L464P, L467P, L477P, L91P.
Identifiers: ClinVar variation 3392941 (VCV003392941.2).

ClinVar aggregate classification (germline): Uncertain significance (1 of 4 stars; one submission).

Submission:

GeneDx
Classification: Uncertain significance. Last evaluated: 2026-06-29. Review status: criteria provided, single submitter. Criteria: GeneDx Variant Classification Process June 2021. Collection method: clinical testing. Allele origin: germline.
Comment: Not observed at significant frequency in large population cohorts (gnomAD); In silico analysis supports that this missense variant has a deleterious effect on protein structure/function; Has not been previously published as pathogenic or benign to our knowledge